The following is an entry in ClinVar:

NM_007194.4(CHEK2):c.1574_1575insCCCCG (p.Glu526fs)

Gene: CHEK2 (checkpoint kinase 2; minus strand). Cytogenetic location: 22q12.1.
Variant type: Insertion.
Coding change: c.1574_1575insCCCCG on transcript NM_007194.4 (MANE Select); coding-DNA positions 1574 to 1575, CCCCG inserted.
Protein change: p.Glu526fs; shifts the reading frame from glutamic acid 526.
Molecular consequence: frameshift variant.
Genome position: GRCh38 VCF-style: chr22-28687954-C-CCGGGG. GRCh37 (hg19) VCF-style: chr22-29083942-C-CCGGGG.
Other names: c.1702_1703insGCCCC, p.Glu569Profs (NM_001005735.3); c.910_911insGCCCC, p.Glu305Profs (NM_001257387.3); c.1372_1373insGCCCC, p.Glu459Profs (NM_001349956.3); c.1486_1487insGCCCC, p.Glu497Profs (NM_145862.3); short protein forms E497fs, E305fs, E459fs, E569fs, E526fs.
Identifiers: ClinVar variation 3492175 (VCV003492175.1).

ClinVar aggregate classification (germline): Uncertain significance (1 of 4 stars; one submission).

Conditions:
Hereditary cancer-predisposing syndrome. Also called: Tumor predisposition; Neoplastic Syndromes, Hereditary; Hereditary Cancer Syndrome; Hereditary neoplastic syndrome. Identifiers: Orphanet 140162, MedGen C0027672, MeSH D009386, MONDO:0015356.

Submission:

Ambry Genetics
Classification: Uncertain significance for Hereditary cancer-predisposing syndrome. Last evaluated: 2024-07-30. Review status: criteria provided, single submitter. Criteria: Ambry Variant Classification Scheme 2023. Collection method: clinical testing. Allele origin: germline.
Comment: The c.1574_1575insCCCCG variant, located in coding exon 14 of the CHEK2 gene, results from an insertion of 5 nucleotides at position 1574, causing a translational frameshift with a predicted alternate stop codon (p.E526Pfs*42). This alteration occurs at the 3' terminus of theCHEK2 gene, is not expected to trigger nonsense-mediated mRNAdecay and results in the elongation of the protein by 23 amino acids. This frameshift impacts the last 18amino acids of the native protein. The exact functional effect of the altered amino acids is unknown. Based on the available evidence, the clinical significance of this variant remains unclear.